The following is an entry in ClinVar:

NM_006662.3(SRCAP):c.5870G>A (p.Arg1957Gln)

Gene: SRCAP (Snf2 related CREBBP activator protein; plus strand). Cytogenetic location: 16p11.2.
Variant type: single nucleotide variant.
Coding change: c.5870G>A on transcript NM_006662.3 (MANE Select); coding-DNA position 5870, G replaced by A.
Protein change: p.Arg1957Gln; replaces arginine 1957 with glutamine.
Molecular consequence: missense variant.
Genome position (GRCh38, 1-based): chr16:30,729,177, G>A. VCF-style: chr16-30729177-G-A. GRCh37 (hg19) VCF-style: chr16-30740498-G-A.
Other names: c.5870G>A (NM_006662.2); short protein forms R1957Q.
Identifiers: ClinVar variation 2155210 (VCV002155210.7), dbSNP rs139158885, ClinGen allele CA8012099.
Genomic context (GRCh38, chr16:30,729,177, plus strand): 5'-GCCCTCGTTCTCCTGGCCCCAGCCACCCCACCTTTTGGACTTATACCGAGGCTGCCCACC[G>A]GGCTGTACTGTTTCCCCAGCAGCGACTAGACCAGCTGTCAGAAATCATTGAGAGGTTGGC-3'
Protein context (NP_006653.2, residues 1947-1967): TFWTYTEAAH[Arg1957Gln]AVLFPQQRLD

ClinVar aggregate classification (germline): Benign/Likely benign. Review status: criteria provided, multiple submitters, no conflicts (2 of 4 stars). 3 submissions from 3 submitters: Benign (1); Likely benign (1). 1 of the submissions does not count toward it. Last evaluated 2024-05-30.

Conditions:
SRCAP-related disorder. Also called: SRCAP-related condition.

Allele frequency attached by ClinVar (database versions not stated): gnomAD 0.00011; ESP Exome Variant Server 0.00015; ExAC 0.00045; 1000 Genomes Project 30x 0.00094; 1000 Genomes Project 0.00120.
gnomAD v4.1: 278 of 1,613,658 alleles (0.017%); highest among the groups gnomAD compares: South Asian, 0.23%; 5 homozygotes.

Submissions (3):

Women's Health and Genetics/Laboratory Corporation of America, LabCorp
Classification: Likely benign. Last evaluated: 2024-05-30. Review status: criteria provided, single submitter. Criteria: LabCorp Variant Classification Summary - May 2015. Collection method: clinical testing. Allele origin: germline.
Comment: Variant summary: SRCAP c.5870G>A (p.Arg1957Gln) results in a conservative amino acid change in the encoded protein sequence. Five of five in-silico tools predict a benign effect of the variant on protein function. The variant allele was found at a frequency of 0.00046 in 251010 control chromosomes, predominantly at a frequency of 0.003 within the South Asian subpopulation in the gnomAD database, including 3 homozygotes. The observed variant frequency within South Asian control individuals in the gnomAD database exceeds the estimated maximal expected allele frequency for a pathogenic variant in SRCAP causing Floating-Harbor Syndrome phenotype. To our knowledge, no occurrence of c.5870G>A in individuals affected with Floating-Harbor Syndrome and no experimental evidence demonstrating its impact on protein function have been reported. ClinVar contains an entry for this variant (Variation ID: 2155210). Based on the evidence outlined above, the variant was classified as likely benign.

Labcorp Genetics (formerly Invitae), Labcorp
Classification: Benign. Last evaluated: 2023-07-12. Review status: criteria provided, single submitter. Criteria: Invitae Variant Classification Sherloc (09022015). Collection method: clinical testing. Allele origin: germline.

PreventionGenetics, part of Exact Sciences
Classification: Likely benign for SRCAP-related condition. Last evaluated: 2019-11-16. Review status: no assertion criteria provided. Collection method: clinical testing. Allele origin: germline. Not counted in ClinVar's aggregate classification.
Comment: This variant is classified as likely benign based on ACMG/AMP sequence variant interpretation guidelines (Richards et al. 2015 PMID: 25741868, with internal and published modifications).